The following is an entry in ClinVar:

ClinVar aggregate classification (germline): Pathogenic. Review status: criteria provided, multiple submitters, no conflicts (2 of 4 stars). 4 submissions from 4 submitters: Pathogenic (3). 1 of the submissions does not count toward it. Last evaluated 2025-12-01.

Conditions:
Hereditary factor VIII deficiency disease (HEMA). Also called: HEMOPHILIA, CLASSIC; AUTOSOMAL HEMOPHILIA A; Hemophilia A; Hemophilia A, congenital; HEM A; Factor 8 deficiency, congenital. Identifiers: Orphanet 98878, MedGen C0019069, MONDO:0010602, OMIM 306700.

Allele frequency attached by ClinVar (database versions not stated): TOPMed 0.00008.

Submissions (4):

Mayo Clinic Laboratories, Mayo Clinic
Classification: Pathogenic. Last evaluated: 2025-12-01. Review status: criteria provided, single submitter. Criteria: ACMG Guidelines, 2015. Collection method: clinical testing. Allele origin: germline. Observed: 3 variant alleles.
Comment: PM2_supporting, PS4_very_strong, PVS1

Myriad Genetics, Inc.
Classification: Pathogenic for Hereditary factor VIII deficiency disease. Last evaluated: 2024-07-17. Review status: criteria provided, single submitter. Criteria: Myriad Autosomal Dominant, Autosomal Recessive and X-Linked Classification Criteria (2023). Collection method: clinical testing. Allele origin: unknown.
Comment: NM_000132.3(F8):c.6682C>T(R2228*) is expected to be pathogenic in the context of hemophilia A. This variant is predicted to lead to an abnormal or absent protein product due to the creation of a premature termination codon in F8, a gene where loss-of-function variants are known to be pathogenic. Please note: this variant was assessed in the context of healthy population screening.

ARUP Laboratories, Molecular Genetics and Genomics, ARUP Laboratories
Classification: Pathogenic. Last evaluated: 2024-02-21. Review status: criteria provided, single submitter. Criteria: ARUP Molecular Germline Variant Investigation Process 2024. Collection method: clinical testing. Allele origin: germline.
Comment: The F8 c.6682C>T; p.Arg2228Ter variant (rs137852355), also known as Arg2209Ter, is reported in the literature in several individuals with severe hemophilia A (Gitschier 1985, Lyu 2016, see F8 variant database link). This variant is also reported ClinVar (Variation ID: 10086), and is absent from the Genome Aggregation Database (v2.1.1), indicating it is not a common polymorphism. This variant induces an early termination codon and results in a truncated protein (Zimmermann 2014). Based on available information, this variant is considered to be pathogenic. References: Link to F8 variant database for p.Arg2228Ter: Gitschier J et al. Detection and sequence of mutations in the factor VIII gene of haemophiliacs. Nature. 1985 May 30-Jun 5;315(6018):427-30. PMID: 2987704. Lyu C et al. Identification of mutations in the F8 and F9 gene in families with haemophilia using targeted high-throughput sequencing. Haemophilia. 2016 Sep;22(5):e427-34. PMID: 27292088. Zimmermann MA et al. Expression studies of mutant factor VIII alleles with premature termination codons with regard to inhibitor formation. Haemophilia. 2014 May;20(3):e215-21. PMID: 24602271.

OMIM
Classification: Pathogenic for HEMOPHILIA A. Last evaluated: 1988-09-01. Review status: no assertion criteria provided. Collection method: literature only. Allele origin: germline. Not counted in ClinVar's aggregate classification.

Literature cited by the submitters: PubMed 17610549 (cited by Mayo Clinic Laboratories, Mayo Clinic); PubMed 18387975 (cited by Mayo Clinic Laboratories, Mayo Clinic); PubMed 24602271 (cited by Mayo Clinic Laboratories, Mayo Clinic); PubMed 2473810 (cited by Mayo Clinic Laboratories, Mayo Clinic); PubMed 29296726 (cited by Mayo Clinic Laboratories, Mayo Clinic); PubMed 2987704 (cited by Mayo Clinic Laboratories, Mayo Clinic); PubMed 30210749 (cited by Mayo Clinic Laboratories, Mayo Clinic); PubMed 31197069 (cited by Mayo Clinic Laboratories, Mayo Clinic); PubMed 32166871 (cited by Mayo Clinic Laboratories, Mayo Clinic); PubMed 8644728 (cited by Mayo Clinic Laboratories, Mayo Clinic); PubMed 2901224 (cited by OMIM); PubMed 3097553 (cited by OMIM).

NM_000132.4(F8):c.6682C>T (p.Arg2228Ter)

Gene: F8 (coagulation factor VIII; minus strand). Cytogenetic location: Xq28.
Variant type: single nucleotide variant.
Coding change: c.6682C>T on transcript NM_000132.4 (MANE Select); coding-DNA position 6682, C replaced by T.
Protein change: p.Arg2228Ter; replaces arginine 2228 with a stop codon.
Molecular consequence: nonsense.
Genome position (GRCh38, 1-based): chrX:154,861,759, G>A on the plus strand (C>T on the coding strand, the complement: F8 is on the minus strand). VCF-style: chrX-154861759-G-A. GRCh37 (hg19) VCF-style: chrX-154090034-G-A.
Other names: F8, ARG2209TER; R2209*; p.Arg2228*; c.6682C>T (NM_000132.3); c.277C>T, p.Arg93Ter (NM_019863.3); short protein forms R2228*, R93*.
Identifiers: ClinVar variation 10086 (VCV000010086.14), dbSNP rs137852355, ClinGen allele CA255009.